The following is an entry in ClinVar:

ClinVar aggregate classification (germline): Conflicting classifications of pathogenicity. Review status: criteria provided, conflicting classifications (1 of 4 stars). 6 submissions from 6 submitters: Likely pathogenic (1); Uncertain significance (5). Last evaluated 2025-08-22.

Conditions:
Hereditary cancer-predisposing syndrome. Also called: Hereditary neoplastic syndrome; Tumor predisposition; Hereditary Cancer Syndrome; Neoplastic Syndromes, Hereditary. Identifiers: Orphanet 140162, MedGen C0027672, MeSH D009386, MONDO:0015356.
Familial cancer of breast. Also called: hereditary breast carcinoma; BREAST CANCER, FAMILIAL; Hereditary breast cancer. Identifiers: Orphanet 227535, MedGen C0346153, MONDO:0016419, OMIM 114480. Disease mechanism: loss of function.
Hereditary breast ovarian cancer syndrome. Also called: Breast and ovarian cancer; BRCA1- and BRCA2-Associated Hereditary Breast and Ovarian Cancer; Hereditary breast and ovarian cancer syndrome; Hereditary breast and ovarian cancer; Hereditary breast and/or ovarian cancer syndrome; Hereditary breast and ovarian cancer syndrome (HBOC). Identifiers: Orphanet 145, MedGen C0677776, MeSH D061325, MONDO:0003582. Disease mechanism: loss of function.

Allele frequency attached by ClinVar (database versions not stated): gnomAD exomes 0.00001 and below 0.00001.
gnomAD v4.1: 3 of 1,613,826 alleles (0.00019%); highest among the groups gnomAD compares: African/African-American, 0.0013%; no homozygotes.

Submissions (6):

Ambry Genetics
Classification: Uncertain significance for Hereditary cancer-predisposing syndrome. Last evaluated: 2025-08-22. Review status: criteria provided, single submitter. Criteria: Ambry Variant Classification Scheme 2023. Collection method: clinical testing. Allele origin: germline.
Comment: The c.2002-2A>G intronic variant results from an A to G substitution two nucleotides upstream from coding exon 11 in the BARD1 gene. Alterations that disrupt the canonical splice site are expected to result in aberrant splicing. In silico splice site analysis predicts that this alteration will weaken the native splice acceptor site and will result in the creation or strengthening of a novel splice acceptor site. A resulting transcript is predicted to be in-frame and is not expected to trigger nonsense-mediated mRNAdecay; although, direct evidence is unavailable. This nucleotide position is highly conserved in available vertebrate species. Based on the available evidence, the clinical significance of this variant remains unclear.

Labcorp Genetics (formerly Invitae), Labcorp
Classification: Uncertain significance for Familial cancer of breast. Last evaluated: 2025-05-25. Review status: criteria provided, single submitter. Criteria: Invitae Variant Classification Sherloc (09022015). Collection method: clinical testing. Allele origin: germline.
Comment: This sequence change affects an acceptor splice site in intron 10 of the BARD1 gene. While this variant is not anticipated to result in nonsense mediated decay, it likely alters RNA splicing and results in a disrupted protein product. This variant is present in population databases (no rsID available, gnomAD 0.0009%). Disruption of this splice site has been observed in individual(s) with breast cancer (PMID: 28715532). ClinVar contains an entry for this variant (Variation ID: 1496385). Variants that disrupt the consensus splice site are a relatively common cause of aberrant splicing (PMID: 17576681, 9536098). Algorithms developed to predict the effect of sequence changes on RNA splicing suggest that this variant may disrupt the consensus splice site. In summary, the available evidence is currently insufficient to determine the role of this variant in disease. Therefore, it has been classified as a Variant of Uncertain Significance.

German Consortium for Hereditary Breast and Ovarian Cancer, University Hospital Cologne
Classification: Uncertain significance for Hereditary breast ovarian cancer syndrome. Last evaluated: 2024-12-10. Review status: criteria provided, single submitter. Criteria: ACMG Guidelines, 2015. Collection method: curation. Allele origin: germline.
Comment: According to the ACMG SVI adaptation criteria we chose these criteria: PVS1 (strong pathogenic): not predicted to undergo NMD, but within BRCT domain (Tayoun et al., 2018 = PVS1_str), PM2 (supporting pathogenic): Absent from controls: 1x in gnomAD v2.1.1 & 3x in gnomAD 4.1.0

Baylor Genetics
Classification: Uncertain significance for Familial cancer of breast. Last evaluated: 2024-01-17. Review status: criteria provided, single submitter. Criteria: ACMG Guidelines, 2015. Collection method: clinical testing. Allele origin: unknown.

CeGaT Center for Human Genetics Tuebingen
Classification: Uncertain significance. Last evaluated: 2023-09-01. Review status: criteria provided, single submitter. Criteria: CeGaT Center For Human Genetics Tuebingen Variant Classification Criteria Version 2. Collection method: clinical testing. Allele origin: germline. Affected: yes. Observed: 1 variant allele.
Comment: BARD1: PM2

Myriad Genetics, Inc.
Classification: Likely pathogenic for Familial cancer of breast. Last evaluated: 2023-05-25. Review status: criteria provided, single submitter. Criteria: Myriad Autosomal Dominant, Autosomal Recessive and X-Linked Classification Criteria (2023). Collection method: clinical testing. Allele origin: unknown.
Comment: This variant is considered likely pathogenic. This variant occurs within a consensus splice junction and is predicted to result in abnormal mRNA splicing of either an out-of-frame exon or an in-frame exon necessary for protein stability and/or normal function.

Literature cited by the submitters: PubMed 28715532 (cited by Labcorp Genetics (formerly Invitae), Labcorp); PubMed 17576681 (cited by Labcorp Genetics (formerly Invitae), Labcorp); PubMed 9536098 (cited by Labcorp Genetics (formerly Invitae), Labcorp).

NM_000465.4(BARD1):c.2002-2A>G

Gene: BARD1 (BRCA1 associated RING domain 1; minus strand). Cytogenetic location: 2q35.
Variant type: single nucleotide variant.
Coding change: c.2002-2A>G on transcript NM_000465.4 (MANE Select); the canonical splice acceptor site of the intron before coding-DNA position 2002, A replaced by G.
Molecular consequence: splice acceptor variant.
Genome position (GRCh38, 1-based): chr2:214,729,010, T>C on the plus strand (A>G on the coding strand, the complement: BARD1 is on the minus strand). VCF-style: chr2-214729010-T-C. GRCh37 (hg19) VCF-style: chr2-215593734-T-C.
Other names: c.592-2A>G (NM_001282548.2); c.1945-2A>G (NM_001282543.2); c.649-2A>G (NM_001282545.2); c.463-2A>G (NM_001282549.2); c.2002-2A>G (NM_000465.2).
Identifiers: ClinVar variation 1496385 (VCV001496385.36), dbSNP rs876658260, ClinGen allele CA350450834.
Genomic context (GRCh38, chr2:214,729,010, plus strand): 5'-GGATGGTGTTTGAAGGTTCCCCACAAATAGAAGTAGCATCCATCAAACAGCTTTGGCAAC[T>C]GAAATAATGAGAAAACATTTGTTAAAGGCAGATCAAAATACTGTATTCAAAAACACTGTA-3'